The following is an entry in ClinVar:

NM_015267.4(CUX2):c.884C>T (p.Ser295Leu)

Gene: CUX2 (cut like homeobox 2; plus strand). Cytogenetic location: 12q24.12.
Variant type: single nucleotide variant.
Coding change: c.884C>T on transcript NM_015267.4 (MANE Select); coding-DNA position 884, C replaced by T.
Protein change: p.Ser295Leu; replaces serine 295 with leucine.
Molecular consequence: missense variant.
Genome position (GRCh38, 1-based): chr12:111,306,946, C>T. VCF-style: chr12-111306946-C-T. GRCh37 (hg19) VCF-style: chr12-111744750-C-T.
Other names: c.698C>T, p.Ser233Leu (NM_001370598.1); short protein forms S233L, S295L.
Identifiers: ClinVar variation 2230517 (VCV002230517.3), dbSNP rs890094061, ClinGen allele CA243566826.
Genomic context (GRCh38, chr12:111,306,946, plus strand): 5'-ACCTCTCAGCCCCTCAAAGACCCCTTTGCCTGCAGGATAAGGTGAACTTCACTCTGTGCT[C>T]GGGCCCTCGGCTGGAGGCCGCGCTGGCCTCCAAGGACAGGGAGATCCTGCGGCTGCTGAA-3'
Protein context (NP_056082.2, residues 285-305): SGDKVNFTLC[Ser295Leu]GPRLEAALAS

ClinVar aggregate classification (germline): Uncertain significance (1 of 4 stars; one submission).

Conditions:
Inborn genetic diseases. Identifiers: MedGen C0950123, MeSH D030342.

Allele frequency attached by ClinVar (database versions not stated): gnomAD 0.00001; TOPMed 0.00001; gnomAD exomes 0.00003.
gnomAD v4.1: 45 of 1,611,478 alleles (0.0028%); highest among the groups gnomAD compares: Non-Finnish European, 0.0034%; no homozygotes.

Submission:

Ambry Genetics
Classification: Uncertain significance for Inborn genetic diseases. Last evaluated: 2026-01-26. Review status: criteria provided, single submitter. Criteria: Ambry Variant Classification Scheme 2023. Collection method: clinical testing. Allele origin: germline.
Comment: The c.884C>T (p.S295L) alteration is located in exon 11 (coding exon 11) of the CUX2 gene. This alteration results from a C to T substitution at nucleotide position 884, causing the serine (S) at amino acid position 295 to be replaced by a leucine (L). Based on data from gnomAD, the T allele has an overall frequency of 0.002% (5/278666) total alleles studied. The highest observed frequency was 0.004% (5/127624) of European (non-Finnish) alleles. Based on insufficient or conflicting evidence, the clinical significance of this alteration remains unclear.